The following is an entry in ClinVar:

ClinVar aggregate classification (germline): Likely pathogenic (1 of 4 stars; one submission).

gnomAD v4.1: 1 of 1,613,890 alleles (0.000062%); highest among the groups gnomAD compares: Admixed American, 0.0017%; no homozygotes.

Submission:

Mayo Clinic Laboratories, Mayo Clinic
Classification: Likely pathogenic. Last evaluated: 2023-08-18. Review status: criteria provided, single submitter. Criteria: ACMG Guidelines, 2015. Collection method: clinical testing. Allele origin: germline. Observed: 1 variant allele.
Comment: PM2, PVS1

NM_000238.4(KCNH2):c.1230G>A (p.Trp410Ter)

Gene: KCNH2 (potassium voltage-gated channel subfamily H member 2; minus strand). Cytogenetic location: 7q36.1.
Variant type: single nucleotide variant.
Coding change: c.1230G>A on transcript NM_000238.4 (MANE Select); coding-DNA position 1230, G replaced by A.
Protein change: p.Trp410Ter; replaces tryptophan 410 with a stop codon.
Molecular consequence: nonsense. On other transcripts: non-coding transcript variant (2).
Genome position (GRCh38, 1-based): chr7:150,952,752, C>T on the plus strand (G>A on the coding strand, the complement: KCNH2 is on the minus strand). VCF-style: chr7-150952752-C-T. GRCh37 (hg19) VCF-style: chr7-150649840-C-T.
Other names: p.Trp410*; c.210G>A, p.Trp70Ter (NM_001204798.2, NM_172057.3); c.942G>A, p.Trp314Ter (NM_001406753.1, NM_001406756.1); c.1053G>A, p.Trp351Ter (NM_001406755.1); c.930G>A, p.Trp310Ter (NM_001406757.1); c.1230G>A, p.Trp410Ter (NM_172056.3); short protein forms W310*, W314*, W351*, W410*, W70*.
Identifiers: ClinVar variation 3381030 (VCV003381030.1).